The following is an entry in ClinVar:

NM_000535.7(PMS2):c.151G>A (p.Ala51Thr)

Gene: PMS2 (PMS1 homolog 2, mismatch repair system component; minus strand). Cytogenetic location: 7p22.1.
Variant type: single nucleotide variant.
Coding change: c.151G>A on transcript NM_000535.7 (MANE Select); coding-DNA position 151, G replaced by A.
Protein change: p.Ala51Thr; replaces alanine 51 with threonine.
Molecular consequence: missense variant. On other transcripts: non-coding transcript variant (1), intron variant (3), 5 prime UTR variant (8).
Genome position (GRCh38, 1-based): chr7:6,005,904, C>T on the plus strand (G>A on the coding strand, the complement: PMS2 is on the minus strand). VCF-style: chr7-6005904-C-T. GRCh37 (hg19) VCF-style: chr7-6045535-C-T.
Other names: c.151G>A, p.Ala51Thr (NM_001406884.1, NM_001406885.1, NM_001406886.1 and 10 more transcripts); c.-255G>A (NM_001406887.1, NM_001406891.1, NM_001406893.1 and 11 more transcripts); c.-202G>A (NM_001406888.1, NM_001406889.1, NM_001406892.1 and 5 more transcripts); c.-245G>A (NM_001406890.1); c.-65G>A (NM_001406896.1, NM_001406901.1, NM_001406902.1 and 4 more transcripts); c.-231G>A (NM_001406900.1); c.-52-1846G>A (NM_001322008.2); c.-242-1846G>A (NM_001322010.2, NM_001322004.2); and 4 more; short protein forms A51T, A113T.
Identifiers: ClinVar variation 1774398 (VCV001774398.4), dbSNP rs761352832, ClinGen allele CA044145.

ClinVar aggregate classification (germline): Uncertain significance. Review status: criteria provided, multiple submitters, no conflicts (2 of 4 stars). 2 submissions from 2 submitters: Uncertain significance (2). Last evaluated 2023-10-28.

Conditions:
Hereditary cancer-predisposing syndrome. Also called: Hereditary Cancer Syndrome; Hereditary neoplastic syndrome; Neoplastic Syndromes, Hereditary; Tumor predisposition. Identifiers: Orphanet 140162, MedGen C0027672, MeSH D009386, MONDO:0015356.
Hereditary nonpolyposis colorectal neoplasms. Identifiers: MedGen C0009405, MeSH D003123.

Allele frequency attached by ClinVar (database versions not stated): gnomAD exomes below 0.00001; ExAC 0.00001.
gnomAD v4.1: 1 of 1,610,842 alleles (0.000062%); highest among the groups gnomAD compares: South Asian, 0.0011%; no homozygotes.

Submissions (2):

Labcorp Genetics (formerly Invitae), Labcorp
Classification: Uncertain significance for Hereditary nonpolyposis colorectal neoplasms. Last evaluated: 2023-10-28. Review status: criteria provided, single submitter. Criteria: Invitae Variant Classification Sherloc (09022015). Collection method: clinical testing. Allele origin: germline.
Comment: This sequence change replaces alanine, which is neutral and non-polar, with threonine, which is neutral and polar, at codon 51 of the PMS2 protein (p.Ala51Thr). This variant is present in population databases (rs761352832, gnomAD 0.007%). This variant has not been reported in the literature in individuals affected with PMS2-related conditions. ClinVar contains an entry for this variant (Variation ID: 1774398). Advanced modeling of protein sequence and biophysical properties (such as structural, functional, and spatial information, amino acid conservation, physicochemical variation, residue mobility, and thermodynamic stability) performed at Invitae indicates that this missense variant is expected to disrupt PMS2 protein function with a positive predictive value of 80%. In summary, the available evidence is currently insufficient to determine the role of this variant in disease. Therefore, it has been classified as a Variant of Uncertain Significance.

Ambry Genetics
Classification: Uncertain significance for Hereditary cancer-predisposing syndrome. Last evaluated: 2023-08-29. Review status: criteria provided, single submitter. Criteria: Ambry Variant Classification Scheme 2023. Collection method: clinical testing. Allele origin: germline.
Comment: The p.A51T variant (also known as c.151G>A), located in coding exon 2 of the PMS2 gene, results from a G to A substitution at nucleotide position 151. The alanine at codon 51 is replaced by threonine, an amino acid with similar properties. This amino acid position is highly conserved in available vertebrate species. In addition, this alteration is predicted to be deleterious by in silico analysis. Since supporting evidence is limited at this time, the clinical significance of this alteration remains unclear.